The following is an entry in ClinVar:

ClinVar aggregate classification (germline): Uncertain significance (1 of 4 stars; one submission).

Submission:

GeneDx
Classification: Uncertain significance. Last evaluated: 2025-01-14. Review status: criteria provided, single submitter. Criteria: GeneDx Variant Classification Process June 2021. Collection method: clinical testing. Allele origin: germline. Affected: yes.
Comment: Not observed at significant frequency in large population cohorts (gnomAD); In silico analysis supports that this missense variant has a deleterious effect on protein structure/function; Has not been previously published as pathogenic or benign to our knowledge

NM_000719.7(CACNA1C):c.1835C>A (p.Ser612Tyr)

Gene: CACNA1C (calcium voltage-gated channel subunit alpha1 C; plus strand). Cytogenetic location: 12p13.33.
Variant type: single nucleotide variant.
Coding change: c.1835C>A on transcript NM_000719.7 (MANE Select); coding-DNA position 1835, C replaced by A.
Protein change: p.Ser612Tyr; replaces serine 612 with tyrosine.
Molecular consequence: missense variant.
Genome position (GRCh38, 1-based): chr12:2,567,734, C>A. VCF-style: chr12-2567734-C-A. GRCh37 (hg19) VCF-style: chr12-2676900-C-A.
Other names: c.1835C>A, p.Ser612Tyr (NM_001129827.2, NM_001129829.2, NM_001129830.3 and 18 more transcripts); c.1826C>A, p.Ser609Tyr (NM_001129844.2); short protein forms S609Y, S612Y.
Identifiers: ClinVar variation 4070701 (VCV004070701.1).